The following is an entry in ClinVar:

ClinVar aggregate classification (germline): Uncertain significance (1 of 4 stars; one submission).

Allele frequency attached by ClinVar (database versions not stated): gnomAD 0.00001.

Submission:

Labcorp Genetics (formerly Invitae), Labcorp
Classification: Uncertain significance. Last evaluated: 2022-03-26. Review status: criteria provided, single submitter. Criteria: Invitae Variant Classification Sherloc (09022015). Collection method: clinical testing. Allele origin: germline.
Comment: This sequence change replaces methionine, which is neutral and non-polar, with lysine, which is basic and polar, at codon 249 of the TUB protein (p.Met249Lys). In summary, the available evidence is currently insufficient to determine the role of this variant in disease. Therefore, it has been classified as a Variant of Uncertain Significance. Algorithms developed to predict the effect of missense changes on protein structure and function (SIFT, PolyPhen-2, Align-GVGD) all suggest that this variant is likely to be tolerated. This variant has not been reported in the literature in individuals affected with TUB-related conditions. This variant is present in population databases (no rsID available, gnomAD 0.01%).

NM_177972.3(TUB):c.581T>A (p.Met194Lys)

Genes: RIC3 (RIC3 acetylcholine receptor chaperone; minus strand), TUB (TUB bipartite transcription factor; plus strand). Cytogenetic location: 11p15.4.
Variant type: single nucleotide variant.
Coding change: c.581T>A on transcript NM_177972.3 (MANE Select); coding-DNA position 581, T replaced by A.
Protein change: p.Met194Lys; replaces methionine 194 with lysine.
Molecular consequence: missense variant.
Genome position (GRCh38, 1-based): chr11:8,096,700, T>A. VCF-style: chr11-8096700-T-A. GRCh37 (hg19) VCF-style: chr11-8118247-T-A.
Other names: c.746T>A, p.Met249Lys (NM_003320.5); short protein forms M194K, M249K.
Identifiers: ClinVar variation 2117160 (VCV002117160.4), dbSNP rs1372989907, ClinGen allele CA379567628.